The following is an entry in ClinVar:

NM_001854.4(COL11A1):c.3653T>C (p.Met1218Thr)

Gene: COL11A1 (collagen type XI alpha 1 chain; minus strand). Cytogenetic location: 1p21.1.
Variant type: single nucleotide variant.
Coding change: c.3653T>C on transcript NM_001854.4 (MANE Select); coding-DNA position 3653, T replaced by C.
Protein change: p.Met1218Thr; replaces methionine 1218 with threonine.
Molecular consequence: missense variant. On other transcripts: non-coding transcript variant (1).
Genome position (GRCh38, 1-based): chr1:102,923,337, A>G on the plus strand (T>C on the coding strand, the complement: COL11A1 is on the minus strand). VCF-style: chr1-102923337-A-G. GRCh37 (hg19) VCF-style: chr1-103388893-A-G.
Other names: c.3305T>C, p.Met1102Thr (NM_001168249.1, NM_080630.4); c.3536T>C, p.Met1179Thr (NM_001190709.2); c.3689T>C, p.Met1230Thr (NM_080629.3); short protein forms M1218T, M1230T, M1102T, M1179T.
Identifiers: ClinVar variation 1935300 (VCV001935300.5), dbSNP rs766027063, ClinGen allele CA973917.

ClinVar aggregate classification (germline): Uncertain significance (1 of 4 stars; one submission).

Allele frequency attached by ClinVar (database versions not stated): ExAC 0.00001; gnomAD 0.00001; TOPMed 0.00001.

Submission:

Labcorp Genetics (formerly Invitae), Labcorp
Classification: Uncertain significance. Last evaluated: 2026-01-12. Review status: criteria provided, single submitter. Criteria: Invitae Variant Classification Sherloc (09022015). Collection method: clinical testing. Allele origin: germline.
Comment: This sequence change replaces methionine, which is neutral and non-polar, with threonine, which is neutral and polar, at codon 1218 of the COL11A1 protein (p.Met1218Thr). The frequency data for this variant in the population databases is considered unreliable, as metrics indicate poor data quality at this position in the gnomAD database. This variant has not been reported in the literature in individuals affected with COL11A1-related conditions. ClinVar contains an entry for this variant (Variation ID: 1935300). Experimental studies and prediction algorithms are not available or were not evaluated, and the functional significance of this variant is currently unknown. In summary, the available evidence is currently insufficient to determine the role of this variant in disease. Therefore, it has been classified as a Variant of Uncertain Significance.